The following is an entry in ClinVar:

NM_000245.4(MET):c.972G>C (p.Lys324Asn)

Gene: MET (MET proto-oncogene, receptor tyrosine kinase; plus strand). Cytogenetic location: 7q31.2.
Variant type: single nucleotide variant.
Coding change: c.972G>C on transcript NM_000245.4 (MANE Select); coding-DNA position 972, G replaced by C.
Protein change: p.Lys324Asn; replaces lysine 324 with asparagine.
Molecular consequence: missense variant. On other transcripts: intron variant (1).
Genome position (GRCh38, 1-based): chr7:116,700,056, G>C. VCF-style: chr7-116700056-G-C. GRCh37 (hg19) VCF-style: chr7-116340110-G-C.
Other names: c.972G>C, p.Lys324Asn (NM_001127500.3, NM_001324401.3); c.-91+27479G>C (NM_001324402.2); short protein forms K324N.
Identifiers: ClinVar variation 2061275 (VCV002061275.4), dbSNP rs1305174716, ClinGen allele CA368970262.
Genomic context (GRCh38, chr7:116,700,056, plus strand): 5'-AAAAAAGAGATCCACAAAGAAGGAAGTGTTTAATATACTTCAGGCTGCGTATGTCAGCAA[G>C]CCTGGGGCCCAGCTTGCTAGACAAATAGGAGCCAGCCTGAATGATGACATTCTTTTCGGG-3'
Protein context (NP_000236.2, residues 314-334): FNILQAAYVS[Lys324Asn]PGAQLARQIG

ClinVar aggregate classification (germline): Uncertain significance (1 of 4 stars; one submission).

Conditions:
Renal cell carcinoma. Identifiers: MedGen C0007134, MeSH D002292, MONDO:0005086, HP:0005584, Orphanet 217071.

Allele frequency attached by ClinVar (database versions not stated): gnomAD 0.00001.
gnomAD v4.1: 1 of 1,613,620 alleles (0.000062%); highest among the groups gnomAD compares: Non-Finnish European, 0.000085%; no homozygotes.

Submission:

Labcorp Genetics (formerly Invitae), Labcorp
Classification: Uncertain significance for Renal cell carcinoma. Last evaluated: 2026-01-19. Review status: criteria provided, single submitter. Criteria: Invitae Variant Classification Sherloc (09022015). Collection method: clinical testing. Allele origin: germline.
Comment: This sequence change replaces lysine, which is basic and polar, with asparagine, which is neutral and polar, at codon 324 of the MET protein (p.Lys324Asn). This variant is present in population databases (no rsID available, gnomAD 0.007%). This variant has not been reported in the literature in individuals affected with MET-related conditions. ClinVar contains an entry for this variant (Variation ID: 2061275). Invitae Evidence Modeling of protein sequence and biophysical properties (such as structural, functional, and spatial information, amino acid conservation, physicochemical variation, residue mobility, and thermodynamic stability) has been performed for this missense variant. However, the output from this modeling did not meet the statistical confidence thresholds required to predict the impact of this variant on MET protein function. In summary, the available evidence is currently insufficient to determine the role of this variant in disease. Therefore, it has been classified as a Variant of Uncertain Significance.